The following is an entry in ClinVar:

NM_198569.3(ADGRG6):c.1839C>T (p.Val613=)

Gene: ADGRG6 (adhesion G protein-coupled receptor G6; plus strand). Cytogenetic location: 6q24.2.
Variant type: single nucleotide variant.
Coding change: c.1839C>T on transcript NM_198569.3 (MANE Select); coding-DNA position 1839, C replaced by T.
Protein change: p.Val613=; no amino-acid change (valine 613 retained).
Molecular consequence: synonymous variant.
Genome position (GRCh38, 1-based): chr6:142,402,714, C>T. VCF-style: chr6-142402714-C-T. GRCh37 (hg19) VCF-style: chr6-142723851-C-T.
Other names: c.1755C>T, p.Val585= (NM_001032394.3, NM_001032395.3); c.1839C>T, p.Val613= (NM_020455.6).
Identifiers: ClinVar variation 3048074 (VCV003048074.2), dbSNP rs73580458, ClinGen allele CA4027025.
Genomic context (GRCh38, chr6:142,402,714, plus strand): 5'-TTTAACTGCTGATGGGCAGAACTTAACCTCAGCCAATATTACCAACATTGTGGAACAGGT[C>T]AAAAGAATTGTGAATAAAGAAGAAAACATTGATATAACACTTGGCTCAACTCTAATGAAT-3'
Protein context (NP_940971.2, residues 603-623): SANITNIVEQ[Val613=]KRIVNKEENI

ClinVar aggregate classification (germline): Likely benign (0 of 4 stars; one submission).

Conditions:
ADGRG6-related disorder. Also called: ADGRG6-related condition.

Allele frequency attached by ClinVar (database versions not stated): gnomAD exomes 0.00005; ExAC 0.00019; ESP Exome Variant Server 0.00059; gnomAD 0.00071; TOPMed 0.00077; 1000 Genomes Project 0.00100; 1000 Genomes Project 30x 0.00172.
gnomAD v4.1: 188 of 1,603,678 alleles (0.012%); highest among the groups gnomAD compares: African/African-American, 0.22%; 1 homozygote.

Submission:

PreventionGenetics, part of Exact Sciences
Classification: Likely benign for ADGRG6-related condition. Last evaluated: 2019-12-06. Review status: no assertion criteria provided. Collection method: clinical testing. Allele origin: germline.
Comment: This variant is classified as likely benign based on ACMG/AMP sequence variant interpretation guidelines (Richards et al. 2015 PMID: 25741868, with internal and published modifications).